The following is an entry in ClinVar:

NM_021956.5(GRIK2):c.1244A>T (p.Glu415Val)

Gene: GRIK2 (glutamate ionotropic receptor kainate type subunit 2; plus strand). Cytogenetic location: 6q16.3.
Variant type: single nucleotide variant.
Coding change: c.1244A>T on transcript NM_021956.5 (MANE Select); coding-DNA position 1244, A replaced by T.
Protein change: p.Glu415Val; replaces glutamic acid 415 with valine.
Molecular consequence: missense variant.
Genome position (GRCh38, 1-based): chr6:101,818,410, A>T. VCF-style: chr6-101818410-A-T. GRCh37 (hg19) VCF-style: chr6-102266285-A-T.
Other names: c.1244A>T, p.Glu415Val (NM_001166247.1, NM_175768.3); short protein forms E415V.
Identifiers: ClinVar variation 4823540 (VCV004823540.4).
Genomic context (GRCh38, chr6:101,818,410, plus strand): 5'-GTACATATGCTATTTTATAGATTGGAACGTGGGATCCAGCCAGTGGCCTGAATATGACAG[A>T]AAGTCAAAAGGGAAAGCCAGCGAACATCACAGATTCCTTATCCAATCGTTCTTTGATTGT-3'
Protein context (NP_068775.1, residues 405-425): WDPASGLNMT[Glu415Val]SQKGKPANIT

ClinVar aggregate classification (germline): Uncertain significance (1 of 4 stars; one submission).

Submission:

CeGaT Center for Human Genetics Tuebingen
Classification: Uncertain significance. Last evaluated: 2026-03-01. Review status: criteria provided, single submitter. Criteria: CeGaT Center For Human Genetics Tuebingen Variant Classification Criteria Version 2. Collection method: clinical testing. Allele origin: germline. Affected: yes. Observed: 1 variant allele.
Comment: GRIK2: PM2